The following is an entry in ClinVar:

NM_001039141.3(TRIOBP):c.6007G>A (p.Gly2003Ser)

Gene: TRIOBP (TRIO and F-actin binding protein; plus strand). Cytogenetic location: 22q13.1.
Variant type: single nucleotide variant.
Coding change: c.6007G>A on transcript NM_001039141.3 (MANE Select); coding-DNA position 6007, G replaced by A.
Protein change: p.Gly2003Ser; replaces glycine 2003 with serine.
Molecular consequence: missense variant.
Genome position (GRCh38, 1-based): chr22:37,757,932, G>A. VCF-style: chr22-37757932-G-A. GRCh37 (hg19) VCF-style: chr22-38153939-G-A.
Other names: c.868G>A, p.Gly290Ser (NM_007032.5, NM_138632.2); short protein forms G2003S, G290S.
Identifiers: ClinVar variation 43863 (VCV000043863.13), dbSNP rs397516554, ClinGen allele CA133048.
Genomic context (GRCh38, chr22:37,757,932, plus strand): 5'-TCCGAGGAGCGGCGCAAGTGGTTTGAGGCCACAGACAGCAGGACCCCAGAGGTGCCTGCT[G>A]GTGAGGGGCCGCGCCGGGGCCTGGGTGCCCCCCTGACTGAGGACCAGCAAAACCGGCTTA-3'
Protein context (NP_001034230.1, residues 1993-2013): TDSRTPEVPA[Gly2003Ser]EGPRRGLGAP

ClinVar aggregate classification (germline): Conflicting classifications of pathogenicity. Review status: criteria provided, conflicting classifications (1 of 4 stars). 5 submissions from 5 submitters: Uncertain significance (3); Likely benign (2). Last evaluated 2026-05-06.

Conditions:
Inborn genetic diseases. Identifiers: MedGen C0950123, MeSH D030342.

Allele frequency attached by ClinVar (database versions not stated): gnomAD exomes 0.00002 and 0.00004; TOPMed 0.00015; gnomAD 0.00020 and 0.00021; ExAC 0.00005; 1000 Genomes Project 0.00020; 1000 Genomes Project 30x 0.00031.
gnomAD v4.1: 59 of 1,556,118 alleles (0.0038%); highest among the groups gnomAD compares: African/African-American, 0.048%; no homozygotes.

Submissions (5):

GeneDx
Classification: Uncertain significance. Last evaluated: 2026-05-06. Review status: criteria provided, single submitter. Criteria: GeneDx Variant Classification Process June 2021. Collection method: clinical testing. Allele origin: germline.
Comment: In silico analysis supports that this missense variant has a deleterious effect on protein structure/function; Has not been previously published as pathogenic or benign to our knowledge

Ambry Genetics
Classification: Uncertain significance for Inborn genetic diseases. Last evaluated: 2025-03-30. Review status: criteria provided, single submitter. Criteria: Ambry Variant Classification Scheme 2023. Collection method: clinical testing. Allele origin: germline.

Labcorp Genetics (formerly Invitae), Labcorp
Classification: Uncertain significance. Last evaluated: 2022-05-10. Review status: criteria provided, single submitter. Criteria: Invitae Variant Classification Sherloc (09022015). Collection method: clinical testing. Allele origin: germline.
Comment: This sequence change replaces glycine, which is neutral and non-polar, with serine, which is neutral and polar, at codon 2003 of the TRIOBP protein (p.Gly2003Ser). This variant is present in population databases (rs397516554, gnomAD 0.04%). This variant has not been reported in the literature in individuals affected with TRIOBP-related conditions. ClinVar contains an entry for this variant (Variation ID: 43863). Algorithms developed to predict the effect of missense changes on protein structure and function output the following: SIFT: "Tolerated"; PolyPhen-2: "Benign"; Align-GVGD: "Class C0". The serine amino acid residue is found in multiple mammalian species, which suggests that this missense change does not adversely affect protein function. In summary, the available evidence is currently insufficient to determine the role of this variant in disease. Therefore, it has been classified as a Variant of Uncertain Significance.

Laboratory for Molecular Medicine, Mass General Brigham Personalized Medicine
Classification: Likely benign. Last evaluated: 2013-01-29. Review status: criteria provided, single submitter. Criteria: LMM Criteria. Collection method: clinical testing. Allele origin: germline. Observed: 2 variant alleles.
Comment: Gly2003Ser in exon 16 of TRIOBP: This variant is not expected to have clinical significance because glycine (Gly) at position 2003 is not conserved across mamm als and several species, including pika and opposum, carry a serine (Ser) at th is position.

Breakthrough Genomics
Classification: Likely benign. Review status: criteria provided, single submitter. Criteria: ACMG Guidelines, 2015. Collection method: not provided. Allele origin: germline. Inheritance: Autosomal recessive inheritance. Affected: yes.